The following is an entry in ClinVar:

ClinVar aggregate classification (germline): Uncertain significance (1 of 4 stars; one submission).

Submission:

GeneDx
Classification: Uncertain significance. Last evaluated: 2021-04-15. Review status: criteria provided, single submitter. Criteria: GeneDx Variant Classification Process June 2021. Collection method: clinical testing. Allele origin: germline. Affected: yes.
Comment: Has not been previously published as pathogenic or benign to our knowledge; Not observed in large population cohorts (Lek et al., 2016); In silico analysis, which includes splice predictors and evolutionary conservation, supports a deleterious effect

NM_001387263.1(PATL2):c.1225-3C>A

Gene: PATL2 (PAT1 homolog 2; minus strand). Cytogenetic location: 15q21.1.
Variant type: single nucleotide variant.
Coding change: c.1225-3C>A on transcript NM_001387263.1 (MANE Select); 3 bases into the intron before coding-DNA position 1225, C replaced by A.
Molecular consequence: intron variant.
Genome position (GRCh38, 1-based): chr15:44,668,485, G>T on the plus strand (C>A on the coding strand, the complement: PATL2 is on the minus strand). VCF-style: chr15-44668485-G-T. GRCh37 (hg19) VCF-style: chr15-44960683-G-T.
Other names: c.1132-3C>A (NM_001387260.1, NM_001387264.1); c.1225-3C>A (NM_001387261.1, NM_001387262.1, NM_001145112.2); c.658-3C>A (NM_001330283.2).
Identifiers: ClinVar variation 1211704 (VCV001211704.3), dbSNP rs1474577110, ClinGen allele CA392240659.